The following is an entry in ClinVar:

NM_199420.4(POLQ):c.3905A>T (p.Lys1302Ile)

Gene: POLQ (DNA polymerase theta; minus strand). Cytogenetic location: 3q13.33.
Variant type: single nucleotide variant.
Coding change: c.3905A>T on transcript NM_199420.4 (MANE Select); coding-DNA position 3905, A replaced by T.
Protein change: p.Lys1302Ile; replaces lysine 1302 with isoleucine.
Molecular consequence: missense variant.
Genome position (GRCh38, 1-based): chr3:121,489,026, T>A on the plus strand (A>T on the coding strand, the complement: POLQ is on the minus strand). VCF-style: chr3-121489026-T-A. GRCh37 (hg19) VCF-style: chr3-121207873-T-A.
Other names: short protein forms K1302I.
Identifiers: ClinVar variation 1736053 (VCV001736053.2), dbSNP rs2546786703, ClinGen allele CA354096675.

ClinVar aggregate classification (germline): Uncertain significance (1 of 4 stars; one submission).

Allele frequency attached by ClinVar (database versions not stated): gnomAD exomes below 0.00001.
gnomAD v4.1: 1 of 1,612,972 alleles (0.000062%); highest among the groups gnomAD compares: Non-Finnish European, 0.000085%; no homozygotes.

Submission:

Ambry Genetics
Classification: Uncertain significance. Last evaluated: 2023-11-10. Review status: criteria provided, single submitter. Criteria: Ambry Variant Classification Scheme 2023. Collection method: clinical testing. Allele origin: germline.
Comment: The p.K1302I variant (also known as c.3905A>T), located in coding exon 16 of the POLQ gene, results from an A to T substitution at nucleotide position 3905. The lysine at codon 1302 is replaced by isoleucine, an amino acid with dissimilar properties. This amino acid position is conserved. In addition, this alteration is predicted to be tolerated by in silico analysis. Since supporting evidence is limited at this time, the clinical significance of this alteration remains unclear.